The following is an entry in ClinVar:

NM_001165963.4(SCN1A):c.4216dup (p.Ala1406fs)

Genes: SCN1A (sodium voltage-gated channel alpha subunit 1; minus strand), LOC102724058 (uncharacterized LOC102724058; plus strand). Cytogenetic location: 2q24.3.
Variant type: Duplication.
Coding change: c.4216dup on transcript NM_001165963.4 (MANE Select); coding-DNA position 4216, one base duplicated (G; older notation c.4216dupG).
Protein change: p.Ala1406fs; shifts the reading frame from alanine 1406.
Molecular consequence: frameshift variant. On other transcripts: non-coding transcript variant (1).
Genome position (GRCh38, 1-based): chr2:166,002,540, C duplicated on the plus strand (G on the coding strand, the reverse complement: SCN1A is on the minus strand). VCF-style (leftmost placement, unchanged base first): chr2-166002539-G-GC. GRCh37 (hg19) VCF-style: chr2-166859049-G-GC.
Other names: c.4132dup, p.Ala1378fs (NM_001165964.3, NM_001353957.2, NM_001353958.2); c.4216dup, p.Ala1406fs (NM_001202435.3, NM_001353948.2); c.4183dup, p.Ala1395fs (NM_001353949.2, NM_001353950.2, NM_001353951.2 and 2 more transcripts); c.4180dup, p.Ala1394fs (NM_001353954.2, NM_001353955.2); c.4129dup, p.Ala1377fs (NM_001353960.2); c.1774dup, p.Ala592fs (NM_001353961.2); short protein forms A1394fs, A1406fs, A1378fs, A1377fs, A1395fs, A592fs.
Identifiers: ClinVar variation 206916 (VCV000206916.1), dbSNP rs796053078, ClinGen allele CA317734.

ClinVar aggregate classification (germline): Pathogenic (1 of 4 stars; one submission).

Submission:

GeneDx
Classification: Pathogenic. Last evaluated: 2014-07-11. Review status: criteria provided, single submitter. Criteria: GeneDx Variant Classification (06012015). Collection method: clinical testing. Allele origin: germline. Affected: yes.
Comment: c.4216dupG: p.Ala1406GlyfsX11 (A1406GfsX11) in exon 21 of the SCN1A gene (NM_001165963.1). The normal sequence with the base that is duplicated in braces is: GACT{G}CTCG. The c.4216dupG mutation in the SCN1A gene causes a frameshift starting with codon Alanine 1406, changes this amino acid to a Glycine residue and creates a premature Stop codon at position 11 of the new reading frame, denoted p.Ala1406GlyfsX11. This mutation is predicted to cause loss of normal protein function either through protein truncation or nonsense-mediated mRNA decay. Although this mutation has not been previously reported to our knowledge, other loss-of-function mutations in this region of the SCN1A gene have been reported inan external mutation database in association with SCN1A-related disorders. Therefore, the presence of c.4216dupG is consistent with a diagnosis of a SCN1A-related disorder. The variant is found in INFANT-EPI panel(s).